The following is an entry in ClinVar:

ClinVar aggregate classification (germline): Conflicting classifications of pathogenicity. Review status: criteria provided, conflicting classifications (1 of 4 stars). 11 submissions from 10 submitters: Uncertain significance (3); Likely benign (5). 3 of the submissions do not count toward it. Last evaluated 2026-01-24.

Conditions:
IFIH1-related immunodeficiency.
Singleton-Merten syndrome 1 (SGMRT1). Also called: Widened medullary cavities of bone, aortic calcification, abnormal dentition, and muscular weakness; Syndrome of widened medullary cavities of the metacarpals and phalanges, aortic calcification and abnormal dentition. Identifiers: Orphanet 85191, MedGen C4225427, MONDO:0024535, OMIM 182250.
Immunodeficiency 95 (IMD95). Identifiers: MedGen C5676929, MONDO:0030692, OMIM 619773.
Aicardi-Goutieres syndrome 7 (AGS7). Identifiers: Orphanet 51, MedGen C3888244, MONDO:0014367, OMIM 615846.
IFIH1-related disorder. Also called: IFIH1-related condition.

Allele frequency attached by ClinVar (database versions not stated): 1000 Genomes Project 30x 0.00016; 1000 Genomes Project 0.00020; ExAC 0.00055; gnomAD exomes 0.00066 and 0.00140; gnomAD 0.00073 and 0.00078; TOPMed 0.00073; ESP Exome Variant Server 0.00085.
gnomAD v4.1: 2,175 of 1,611,748 alleles (0.13%); highest among the groups gnomAD compares: Non-Finnish European, 0.17%; 1 homozygote.

Submissions (11):

Labcorp Genetics (formerly Invitae), Labcorp
Classification: Likely benign for Aicardi-Goutieres syndrome 7; Singleton-Merten syndrome 1. Last evaluated: 2026-01-24. Review status: criteria provided, single submitter. Criteria: Invitae Variant Classification Sherloc (09022015). Collection method: clinical testing. Allele origin: germline.

CeGaT Center for Human Genetics Tuebingen
Classification: Likely benign. Last evaluated: 2025-08-01. Review status: criteria provided, single submitter. Criteria: CeGaT Center For Human Genetics Tuebingen Variant Classification Criteria Version 2. Collection method: clinical testing. Allele origin: germline. Affected: yes. Observed: 4 variant alleles.
Comment: IFIH1: BP4

Women's Health and Genetics/Laboratory Corporation of America, LabCorp
Classification: Likely benign. Last evaluated: 2025-03-25. Review status: criteria provided, single submitter. Criteria: LabCorp Variant Classification Summary - May 2015. Collection method: clinical testing. Allele origin: germline.

Mayo Clinic Laboratories, Mayo Clinic
Classification: Likely benign. Last evaluated: 2025-01-20. Review status: criteria provided, single submitter. Criteria: ACMG Guidelines, 2015. Collection method: clinical testing. Allele origin: germline. Observed: 3 variant alleles.
Comment: BS1, BP4_moderate

Blueprint Genetics
Classification: Likely benign. Last evaluated: 2024-11-06. Review status: criteria provided, single submitter. Criteria: ACMG Guidelines, 2015. Collection method: clinical testing. Allele origin: germline.

Center for Genomics, Ann and Robert H. Lurie Children's Hospital of Chicago
Classification: Uncertain significance for Immunodeficiency 95; Aicardi-Goutieres syndrome 7; Singleton-Merten syndrome 1. Last evaluated: 2021-03-30. Review status: criteria provided, single submitter. Criteria: ACMG Guidelines, 2015. Collection method: clinical testing. Allele origin: germline.
Comment: IFIH1 NM_0022168.3 exon 5 p.Pro356Thr (c.1066C>A): This variant has not been reported in the literature but is present in 0.1% (160/128716) of European alleles in the Genome Aggregation Database. Evolutionary conservation and computational predictive tools suggest that this variant may not impact the protein. In summary, data on this variant is insufficient for disease classification. Therefore, the clinical significance of this variant is uncertain.

Center for Genomics, Ann and Robert H. Lurie Children's Hospital of Chicago
Classification: Uncertain significance for Aicardi-Goutieres syndrome 7; Singleton-Merten syndrome 1. Last evaluated: 2018-12-11. Review status: criteria provided, single submitter. Criteria: ACMG Guidelines, 2015. Collection method: clinical testing. Allele origin: germline.
Comment: the same text as in the submission from Center for Genomics, Ann and Robert H. Lurie Children's Hospital of Chicago above.

Undiagnosed Diseases Network, NIH
Classification: Uncertain significance for IFIH1-related immunodeficiency. Last evaluated: 2018-09-18. Review status: criteria provided, single submitter. Criteria: ACMG Guidelines, 2015. Collection method: clinical testing. Allele origin: unknown. Inheritance: Autosomal recessive inheritance. Affected: yes. Observed: 1 variant allele, 1 compound heterozygote. Study: Undiagnosed Diseases Network (NIH), UDN.

PreventionGenetics, part of Exact Sciences
Classification: Likely benign for IFIH1-related condition. Last evaluated: 2020-06-29. Review status: no assertion criteria provided. Collection method: clinical testing. Allele origin: germline. Not counted in ClinVar's aggregate classification.
Comment: This variant is classified as likely benign based on ACMG/AMP sequence variant interpretation guidelines (Richards et al. 2015 PMID: 25741868, with internal and published modifications).

Clinical Genetics DNA and cytogenetics Diagnostics Lab, Erasmus MC, Erasmus Medical Center
Classification: Likely benign. Review status: no assertion criteria provided. Collection method: clinical testing. Allele origin: germline. Affected: yes. Study: VKGL Data-share Consensus. Not counted in ClinVar's aggregate classification.

Genome Diagnostics Laboratory, University Medical Center Utrecht
Classification: Likely benign. Review status: no assertion criteria provided. Collection method: clinical testing. Allele origin: germline. Affected: yes. Study: VKGL Data-share Consensus. Not counted in ClinVar's aggregate classification.

Literature cited by the submitters: PubMed 28973304 (cited by Mayo Clinic Laboratories, Mayo Clinic).

NM_022168.4(IFIH1):c.1066C>A (p.Pro356Thr)

Gene: IFIH1 (interferon induced with helicase C domain 1; minus strand). Cytogenetic location: 2q24.2.
Variant type: single nucleotide variant.
Coding change: c.1066C>A on transcript NM_022168.4 (MANE Select); coding-DNA position 1066, C replaced by A.
Protein change: p.Pro356Thr; replaces proline 356 with threonine.
Molecular consequence: missense variant.
Genome position (GRCh38, 1-based): chr2:162,288,164, G>T on the plus strand (C>A on the coding strand, the complement: IFIH1 is on the minus strand). VCF-style: chr2-162288164-G-T. GRCh37 (hg19) VCF-style: chr2-163144674-G-T.
Other names: p.Pro356Thr; c.1066C>A, p.Pro356Thr (LRG_1235t1); short protein forms P356T.
Identifiers: ClinVar variation 541784 (VCV000541784.50), dbSNP rs150317197, ClinGen allele CA1934639.